The following is an entry in ClinVar:

ClinVar aggregate classification (germline): Uncertain significance. Review status: criteria provided, single submitter (1 of 4 stars). 2 submissions from 2 submitters: Uncertain significance (1). 1 of the submissions does not count toward it. Last evaluated 2023-11-17.

Conditions:
Charcot-Marie-Tooth disease dominant intermediate C (CMTDIC). Also called: CHARCOT-MARIE-TOOTH NEUROPATHY, DOMINANT INTERMEDIATE C. Identifiers: Orphanet 100045, MedGen C1842237, MONDO:0012012, OMIM 608323.
YARS1-related disorder. Also called: YARS1-related condition.

Allele frequency attached by ClinVar (database versions not stated): ExAC 0.00001; gnomAD exomes 0.00001.

Submissions (3):

Labcorp Genetics (formerly Invitae), Labcorp
Classification: Uncertain significance for Charcot-Marie-Tooth disease dominant intermediate C. Last evaluated: 2023-11-17. Review status: criteria provided, single submitter. Criteria: Invitae Variant Classification Sherloc (09022015). Collection method: clinical testing. Allele origin: germline.
Comment: This sequence change affects codon 419 of the YARS mRNA. It is a 'silent' change, meaning that it does not change the encoded amino acid sequence of the YARS protein. This variant is present in population databases (rs763115155, gnomAD 0.007%). This variant has not been reported in the literature in individuals affected with YARS-related conditions. Algorithms developed to predict the effect of sequence changes on RNA splicing suggest that this variant may disrupt the consensus splice site. In summary, the available evidence is currently insufficient to determine the role of this variant in disease. Therefore, it has been classified as a Variant of Uncertain Significance.

PreventionGenetics, part of Exact Sciences
Classification: Uncertain significance for YARS1-related condition. Last evaluated: 2024-03-13. Review status: no assertion criteria provided. Collection method: clinical testing. Allele origin: germline. Not counted in ClinVar's aggregate classification.
Comment: The YARS1 c.1255C>T variant is not predicted to result in an amino acid change (p.=). This variant is predicted to impact splicing based on available splicing predication programs (SpliceAI, Jaganathan et al. 2019. PubMed ID: 30661751). Of note, splicing variants have not commonly been reported in the YARS1 gene. To our knowledge, this variant has not been reported in the literature. This variant is reported in 0.0062% of alleles in individuals of African descent in gnomAD. At this time, the clinical significance of this variant is uncertain due to the absence of conclusive functional and genetic evidence.

Dr. Peter K. Rogan Lab, Western University
No classification provided (evidence only). Condition: Thyroid cancer, nonmedullary, 1. Review status: no classification provided. Collection method: in vitro. Allele origin: not applicable. Functional consequence: cryptic splice site, retained intron. Not counted in ClinVar's aggregate classification.

NM_003680.4(YARS1):c.1255C>T (p.Leu419=)

Gene: YARS1 (tyrosyl-tRNA synthetase 1; minus strand). Cytogenetic location: 1p35.1.
Variant type: single nucleotide variant.
Coding change: c.1255C>T on transcript NM_003680.4 (MANE Select); coding-DNA position 1255, C replaced by T.
Protein change: p.Leu419=; no amino-acid change (leucine 419 retained).
Molecular consequence: synonymous variant.
Genome position (GRCh38, 1-based): chr1:32,780,164, G>A on the plus strand (C>T on the coding strand, the complement: YARS1 is on the minus strand). VCF-style: chr1-32780164-G-A. GRCh37 (hg19) VCF-style: chr1-33245765-G-A.
Identifiers: ClinVar variation 2848291 (VCV002848291.5), dbSNP rs763115155, ClinGen allele CA744943.